The following is an entry in ClinVar:

NM_017838.4(NHP2):c.53G>A (p.Cys18Tyr)

Gene: NHP2 (NHP2 ribonucleoprotein; minus strand). Cytogenetic location: 5q35.3.
Variant type: single nucleotide variant.
Coding change: c.53G>A on transcript NM_017838.4 (MANE Select); coding-DNA position 53, G replaced by A.
Protein change: p.Cys18Tyr; replaces cysteine 18 with tyrosine.
Molecular consequence: missense variant.
Genome position (GRCh38, 1-based): chr5:178,153,765, C>T on the plus strand (G>A on the coding strand, the complement: NHP2 is on the minus strand). VCF-style: chr5-178153765-C-T. GRCh37 (hg19) VCF-style: chr5-177580766-C-T.
Other names: c.53G>A, p.Cys18Tyr (NM_001034833.2); short protein forms C18Y.
Identifiers: ClinVar variation 1426747 (VCV001426747.6), dbSNP rs1373808491, ClinGen allele CA362393077.
Genomic context (GRCh38, chr5:178,153,765, plus strand): 5'-AGGGGCTGCGCGATGGGGTTCTGGTTGACCAGCAGCTCCTGGTAGGTGCGCTCCCCGGAA[C>T]ACGCCTCCGCCTGAGCCTCGGGCCCGTCGGGATCTGCCTTTATTTTGGTCATCGCAGCGG-3'
Protein context (NP_060308.1, residues 8-28): PDGPEAQAEA[Cys18Tyr]SGERTYQELL

ClinVar aggregate classification (germline): Uncertain significance (1 of 4 stars; one submission).

Conditions:
Dyskeratosis congenita. Identifiers: Orphanet 1775, MedGen C0265965, MONDO:0015780.

Allele frequency attached by ClinVar (database versions not stated): gnomAD exomes below 0.00001.
gnomAD v4.1: 2 of 1,612,966 alleles (0.00012%); highest among the groups gnomAD compares: Non-Finnish European, 0.00017%; no homozygotes.

Submission:

Labcorp Genetics (formerly Invitae), Labcorp
Classification: Uncertain significance for Dyskeratosis congenita. Last evaluated: 2021-12-04. Review status: criteria provided, single submitter. Criteria: Invitae Variant Classification Sherloc (09022015). Collection method: clinical testing. Allele origin: germline.
Comment: This sequence change replaces cysteine, which is neutral and slightly polar, with tyrosine, which is neutral and polar, at codon 18 of the NHP2 protein (p.Cys18Tyr). This variant is not present in population databases (gnomAD no frequency). This variant has not been reported in the literature in individuals affected with NHP2-related conditions. Algorithms developed to predict the effect of missense changes on protein structure and function (SIFT, PolyPhen-2, Align-GVGD) all suggest that this variant is likely to be tolerated. In summary, the available evidence is currently insufficient to determine the role of this variant in disease. Therefore, it has been classified as a Variant of Uncertain Significance.